The following is an entry in ClinVar:

ClinVar aggregate classification (germline): Uncertain significance (1 of 4 stars; one submission).

Submission:

Ambry Genetics
Classification: Uncertain significance. Last evaluated: 2024-09-02. Review status: criteria provided, single submitter. Criteria: Ambry Variant Classification Scheme 2023. Collection method: clinical testing. Allele origin: germline.
Comment: The p.D199N variant (also known as c.595G>A), located in coding exon 1 of the TERF2IP gene, results from a G to A substitution at nucleotide position 595. The aspartic acid at codon 199 is replaced by asparagine, an amino acid with highly similar properties. This amino acid position is conserved. In addition, this alteration is predicted to be tolerated by in silico analysis. Since supporting evidence is limited at this time, the clinical significance of this alteration remains unclear.

NM_018975.4(TERF2IP):c.595G>A (p.Asp199Asn)

Gene: TERF2IP (TERF2 interacting protein; plus strand). Cytogenetic location: 16q23.1.
Variant type: single nucleotide variant.
Coding change: c.595G>A on transcript NM_018975.4 (MANE Select); coding-DNA position 595, G replaced by A.
Protein change: p.Asp199Asn; replaces aspartic acid 199 with asparagine.
Molecular consequence: missense variant. On other transcripts: non-coding transcript variant (1).
Genome position (GRCh38, 1-based): chr16:75,648,477, G>A. VCF-style: chr16-75648477-G-A. GRCh37 (hg19) VCF-style: chr16-75682375-G-A.
Other names: short protein forms D199N.
Identifiers: ClinVar variation 1750726 (VCV001750726.3), dbSNP rs2507075072, ClinGen allele CA396818244.